The following is an entry in ClinVar:

NM_021813.4(BACH2):c.1282C>T (p.Arg428Trp)

Gene: BACH2 (BACH transcriptional regulator 2; minus strand). Cytogenetic location: 6q15.
Variant type: single nucleotide variant.
Coding change: c.1282C>T on transcript NM_021813.4 (MANE Select); coding-DNA position 1282, C replaced by T.
Protein change: p.Arg428Trp; replaces arginine 428 with tryptophan.
Molecular consequence: missense variant.
Genome position (GRCh38, 1-based): chr6:89,950,824, G>A on the plus strand (C>T on the coding strand, the complement: BACH2 is on the minus strand). VCF-style: chr6-89950824-G-A. GRCh37 (hg19) VCF-style: chr6-90660543-G-A.
Other names: c.1282C>T, p.Arg428Trp (NM_001170794.2); short protein forms R428W.
Identifiers: ClinVar variation 4807480 (VCV004807480.1).

ClinVar aggregate classification (germline): Uncertain significance (1 of 4 stars; one submission).

gnomAD v4.1: 13 of 1,614,038 alleles (0.00081%); highest among the groups gnomAD compares: Non-Finnish European, 0.001%; no homozygotes.

Submission:

Labcorp Genetics (formerly Invitae), Labcorp
Classification: Uncertain significance. Last evaluated: 2025-02-24. Review status: criteria provided, single submitter. Criteria: Invitae Variant Classification Sherloc (09022015). Collection method: clinical testing. Allele origin: germline.
Comment: This sequence change replaces arginine, which is basic and polar, with tryptophan, which is neutral and slightly polar, at codon 428 of the BACH2 protein (p.Arg428Trp). The frequency data for this variant in the population databases is considered unreliable, as metrics indicate poor data quality at this position in the gnomAD database. This variant has not been reported in the literature in individuals affected with BACH2-related conditions. Invitae Evidence Modeling of protein sequence and biophysical properties (such as structural, functional, and spatial information, amino acid conservation, physicochemical variation, residue mobility, and thermodynamic stability) indicates that this missense variant is expected to disrupt BACH2 protein function with a positive predictive value of 80%. In summary, the available evidence is currently insufficient to determine the role of this variant in disease. Therefore, it has been classified as a Variant of Uncertain Significance.